The following is an entry in ClinVar:

NM_017534.6(MYH2):c.3308A>T (p.Glu1103Val)

Genes: MYHAS (myosin heavy chain gene cluster antisense RNA; plus strand), MYH2 (myosin heavy chain 2; minus strand). Cytogenetic location: 17p13.1.
Variant type: single nucleotide variant.
Coding change: c.3308A>T on transcript NM_017534.6 (MANE Select); coding-DNA position 3308, A replaced by T.
Protein change: p.Glu1103Val; replaces glutamic acid 1103 with valine.
Molecular consequence: missense variant.
Genome position (GRCh38, 1-based): chr17:10,529,208, T>A on the plus strand (A>T on the coding strand, the complement: MYH2 is on the minus strand). VCF-style: chr17-10529208-T-A. GRCh37 (hg19) VCF-style: chr17-10432525-T-A.
Other names: c.3308A>T, p.Glu1103Val (NM_001100112.2); short protein forms E1103V.
Identifiers: ClinVar variation 465934 (VCV000465934.21), dbSNP rs139295564, ClinGen allele CA8390945.

ClinVar aggregate classification (germline): Conflicting classifications of pathogenicity. Review status: criteria provided, conflicting classifications (1 of 4 stars). 3 submissions from 3 submitters: Uncertain significance (1); Likely benign (1). 1 of the submissions does not count toward it. Last evaluated 2026-01-15.

Conditions:
Myopathy, proximal, and ophthalmoplegia (CMYO6). Also called: INCLUSION BODY MYOPATHY 3, AUTOSOMAL DOMINANT; CONGENITAL MYOPATHY 6 WITH OPHTHALMOPLEGIA; MYOPATHY WITH CONGENITAL JOINT CONTRACTURES, OPHTHALMOPLEGIA, AND RIMMED VACUOLES. Identifiers: Orphanet 363677, Orphanet 79091, MedGen C1854106, MONDO:0011577, OMIM 605637.
MYH2-related disorder. Also called: MYH2-related condition.

Allele frequency attached by ClinVar (database versions not stated): ExAC 0.00041; gnomAD 0.00080 and 0.00085; TOPMed 0.00094; 1000 Genomes Project 30x 0.00109; 1000 Genomes Project 0.00120; ESP Exome Variant Server 0.00131.
gnomAD v4.1: 374 of 1,614,276 alleles (0.023%); highest among the groups gnomAD compares: African/African-American, 0.31%; 1 homozygote.

Submissions (3):

Labcorp Genetics (formerly Invitae), Labcorp
Classification: Likely benign for Myopathy, proximal, and ophthalmoplegia. Last evaluated: 2026-01-15. Review status: criteria provided, single submitter. Criteria: Invitae Variant Classification Sherloc (09022015). Collection method: clinical testing. Allele origin: germline.

GeneDx
Classification: Uncertain significance. Last evaluated: 2026-01-01. Review status: criteria provided, single submitter. Criteria: GeneDx Variant Classification Process June 2021. Collection method: clinical testing. Allele origin: germline. Affected: yes.
Comment: Seen with a second variant, phase unknown, in a proband with muscle weakness, dysphagia, opthalmoparesis, and abnormal muscle biopsy (PMID: 41252304); In silico analysis supports that this missense variant has a deleterious effect on protein structure/function; This variant is associated with the following publications: (PMID: 41252304)

PreventionGenetics, part of Exact Sciences
Classification: Likely benign for MYH2-related condition. Last evaluated: 2024-05-17. Review status: no assertion criteria provided. Collection method: clinical testing. Allele origin: germline. Not counted in ClinVar's aggregate classification.
Comment: This variant is classified as likely benign based on ACMG/AMP sequence variant interpretation guidelines (Richards et al. 2015 PMID: 25741868, with internal and published modifications).